The following is an entry in ClinVar:

NM_001987.5(ETV6):c.101A>G (p.His34Arg)

Gene: ETV6 (ETS variant transcription factor 6; plus strand). Cytogenetic location: 12p13.2.
Variant type: single nucleotide variant.
Coding change: c.101A>G on transcript NM_001987.5 (MANE Select); coding-DNA position 101, A replaced by G.
Protein change: p.His34Arg; replaces histidine 34 with arginine.
Molecular consequence: missense variant. On other transcripts: intron variant (1).
Genome position (GRCh38, 1-based): chr12:11,752,517, A>G. VCF-style: chr12-11752517-A-G. GRCh37 (hg19) VCF-style: chr12-11905451-A-G.
Other names: c.98A>G, p.His33Arg (NM_001413913.1); c.74A>G, p.His25Arg (NM_001413914.1); c.101A>G, p.His34Arg (NM_001413916.1, NM_001413917.1, NM_001413918.1); c.-101-86623A>G (NM_001413915.1); short protein forms H25R, H33R, H34R.
Identifiers: ClinVar variation 2851257 (VCV002851257.4), dbSNP rs1437620013, ClinGen allele CA384041707.

ClinVar aggregate classification (germline): Uncertain significance. Review status: criteria provided, multiple submitters, no conflicts (2 of 4 stars). 2 submissions from 2 submitters: Uncertain significance (2). Last evaluated 2026-04-25.

Conditions:
Inborn genetic diseases. Identifiers: MedGen C0950123, MeSH D030342.

Submissions (2):

Ambry Genetics
Classification: Uncertain significance for Inborn genetic diseases. Last evaluated: 2026-04-25. Review status: criteria provided, single submitter. Criteria: Ambry Variant Classification Scheme 2023. Collection method: clinical testing. Allele origin: germline.
Comment: The p.H34R variant (also known as c.101A>G), located in coding exon 2 of the ETV6 gene, results from an A to G substitution at nucleotide position 101. The histidine at codon 34 is replaced by arginine, an amino acid with highly similar properties. This amino acid position is conserved. In addition, the in silico prediction for this alteration is inconclusive. Based on the available evidence, the clinical significance of this variant remains unclear.

Labcorp Genetics (formerly Invitae), Labcorp
Classification: Uncertain significance. Last evaluated: 2023-03-31. Review status: criteria provided, single submitter. Criteria: Invitae Variant Classification Sherloc (09022015). Collection method: clinical testing. Allele origin: germline.
Comment: In summary, the available evidence is currently insufficient to determine the role of this variant in disease. Therefore, it has been classified as a Variant of Uncertain Significance. Advanced modeling of protein sequence and biophysical properties (such as structural, functional, and spatial information, amino acid conservation, physicochemical variation, residue mobility, and thermodynamic stability) performed at Invitae indicates that this missense variant is not expected to disrupt ETV6 protein function. This variant has not been reported in the literature in individuals affected with ETV6-related conditions. This variant is not present in population databases (gnomAD no frequency). This sequence change replaces histidine, which is basic and polar, with arginine, which is basic and polar, at codon 34 of the ETV6 protein (p.His34Arg).